The following is an entry in ClinVar:

ClinVar aggregate classification (germline): Conflicting classifications of pathogenicity. Review status: criteria provided, conflicting classifications (1 of 4 stars). 3 submissions from 3 submitters: Uncertain significance (2); Likely benign (1). Last evaluated 2025-01-28.

Conditions:
Hereditary cancer-predisposing syndrome. Also called: Hereditary Cancer Syndrome; Neoplastic Syndromes, Hereditary; Tumor predisposition; Hereditary neoplastic syndrome. Identifiers: Orphanet 140162, MedGen C0027672, MeSH D009386, MONDO:0015356.
Rhabdoid tumor predisposition syndrome 2 (RTPS2). Identifiers: Orphanet 231108, Orphanet 69077, MedGen C2750074, MONDO:0013224, OMIM 613325.

gnomAD v4.1: 3 of 1,594,156 alleles (0.00019%); highest among the groups gnomAD compares: Non-Finnish European, 0.00026%; no homozygotes.

Submissions (3):

Labcorp Genetics (formerly Invitae), Labcorp
Classification: Uncertain significance for Rhabdoid tumor predisposition syndrome 2. Last evaluated: 2025-01-28. Review status: criteria provided, single submitter. Criteria: Invitae Variant Classification Sherloc (09022015). Collection method: clinical testing. Allele origin: germline.
Comment: This sequence change replaces serine, which is neutral and polar, with threonine, which is neutral and polar, at codon 1421 of the SMARCA4 protein (p.Ser1421Thr). This variant is present in population databases (rs776681345, gnomAD 0.001%). This variant has not been reported in the literature in individuals affected with SMARCA4-related conditions. ClinVar contains an entry for this variant (Variation ID: 480614). An algorithm developed to predict the effect of missense changes on protein structure and function (PolyPhen-2) suggests that this variant is likely to be tolerated. In summary, the available evidence is currently insufficient to determine the role of this variant in disease. Therefore, it has been classified as a Variant of Uncertain Significance.

GeneDx
Classification: Uncertain significance. Last evaluated: 2024-03-01. Review status: criteria provided, single submitter. Criteria: GeneDx Variant Classification Process June 2021. Collection method: clinical testing. Allele origin: germline. Affected: yes.
Comment: In silico analysis supports that this missense variant does not alter protein structure/function; Has not been previously published as pathogenic or benign to our knowledge

Ambry Genetics
Classification: Likely benign for Hereditary cancer-predisposing syndrome. Last evaluated: 2023-04-11. Review status: criteria provided, single submitter. Criteria: Ambry Variant Classification Scheme 2023. Collection method: clinical testing. Allele origin: germline.

NM_001387283.1(SMARCA4):c.4261T>A (p.Ser1421Thr)

Gene: SMARCA4 (SWI/SNF related BAF chromatin remodeling complex subunit ATPase 4; plus strand). Cytogenetic location: 19p13.2.
Variant type: single nucleotide variant.
Coding change: c.4261T>A on transcript NM_001387283.1 (MANE Plus Clinical); coding-DNA position 4261, T replaced by A.
Protein change: p.Ser1421Thr; replaces serine 1421 with threonine.
Molecular consequence: missense variant. On other transcripts: intron variant (7).
Genome position (GRCh38, 1-based): chr19:11,039,548, T>A. VCF-style: chr19-11039548-T-A. GRCh37 (hg19) VCF-style: chr19-11150224-T-A.
Other names: c.4261T>A, p.Ser1421Thr (NM_001128849.3); c.4171-1759T>A (NM_001128844.3, NM_003072.5); c.4072-1759T>A (NM_001128847.4, NM_001374457.1, NM_001128848.2); c.4072-1750T>A (NM_001128845.2, NM_001128846.2); short protein forms S1421T.
Identifiers: ClinVar variation 480614 (VCV000480614.15), dbSNP rs776681345, ClinGen allele CA9204645.